The following is an entry in ClinVar:

NM_000179.3(MSH6):c.3936dup (p.Ile1313fs)

Gene: MSH6 (mutS homolog 6; plus strand). Cytogenetic location: 2p16.3.
Variant type: Duplication.
Coding change: c.3936dup on transcript NM_000179.3 (MANE Select); coding-DNA position 3936, one base duplicated (T; older notation c.3936dupT).
Protein change: p.Ile1313fs; shifts the reading frame from isoleucine 1313.
Molecular consequence: frameshift variant. On other transcripts: non-coding transcript variant (5), intron variant (1).
Genome position (GRCh38, 1-based): chr2:47,806,586, T duplicated; the last of 2 consecutive T bases (chr2:47,806,585-47,806,586); duplicating either gives the same sequence. VCF-style (leftmost placement, unchanged base first): chr2-47806584-G-GT. GRCh37 (hg19) VCF-style: chr2-48033723-G-GT.
Other names: c.3546dup, p.Ile1183fs (NM_001281492.2); c.3030dup, p.Ile1011fs (NM_001281493.2, NM_001281494.2, NM_001406811.1 and 6 more transcripts); c.4032dup, p.Ile1345fs (NM_001406795.1); c.3936dup, p.Ile1313fs (NM_001406796.1, NM_001406808.1, NM_001406809.1); c.3639dup, p.Ile1214fs (NM_001406797.1, NM_001406801.1, NM_001406805.1 and 10 more transcripts); c.3762dup, p.Ile1255fs (NM_001406798.1); c.3411dup, p.Ile1138fs (NM_001406799.1, NM_001406806.1, NM_001406807.1); c.3923dup, p.Leu1308fs (NM_001406800.1); and 9 more; short protein forms I1011fs, I1025fs, I1138fs, I1183fs, I1214fs, I1255fs, I1257fs, I1287fs.
Identifiers: ClinVar variation 2673706 (VCV002673706.1), dbSNP rs2104562671, ClinGen allele CA2695200517.

ClinVar aggregate classification (germline): Pathogenic (1 of 4 stars; one submission).

Conditions:
Lynch syndrome 5 (LYNCH5). Also called: Colorectal cancer, hereditary nonpolyposis, type 5; Hereditary non-polyposis colorectal cancer, type 5. Identifiers: Orphanet 144, MedGen C1833477, MONDO:0013710, OMIM 614350. Disease mechanism: loss of function.

Submission:

Myriad Genetics, Inc.
Classification: Pathogenic for Lynch syndrome 5. Last evaluated: 2023-08-28. Review status: criteria provided, single submitter. Criteria: Myriad Autosomal Dominant, Autosomal Recessive and X-Linked Classification Criteria (2023). Collection method: clinical testing. Allele origin: unknown.
Comment: This variant is considered pathogenic. This variant creates a frameshift predicted to result in premature protein truncation.